The following is an entry in ClinVar:

ClinVar aggregate classification (germline): Uncertain significance (1 of 4 stars; one submission).

Conditions:
Inborn genetic diseases. Identifiers: MedGen C0950123, MeSH D030342.

gnomAD v4.1: 12 of 1,613,628 alleles (0.00074%); highest among the groups gnomAD compares: South Asian, 0.013%; no homozygotes.

Submission:

Ambry Genetics
Classification: Uncertain significance for Inborn genetic diseases. Last evaluated: 2025-04-25. Review status: criteria provided, single submitter. Criteria: Ambry Variant Classification Scheme 2023. Collection method: clinical testing. Allele origin: germline.
Comment: The p.N461D variant (also known as c.1381A>G), located in coding exon 11 of the CEP57 gene, results from an A to G substitution at nucleotide position 1381. The asparagine at codon 461 is replaced by aspartic acid, an amino acid with highly similar properties. This amino acid position is conserved. In addition, this alteration is predicted to be tolerated by in silico analysis. Based on the available evidence, the clinical significance of this variant remains unclear.

NM_014679.5(CEP57):c.1381A>G (p.Asn461Asp)

Gene: CEP57 (centrosomal protein 57; plus strand). Cytogenetic location: 11q21.
Variant type: single nucleotide variant.
Coding change: c.1381A>G on transcript NM_014679.5 (MANE Select); coding-DNA position 1381, A replaced by G.
Protein change: p.Asn461Asp; replaces asparagine 461 with aspartic acid.
Molecular consequence: missense variant.
Genome position (GRCh38, 1-based): chr11:95,831,134, A>G. VCF-style: chr11-95831134-A-G. GRCh37 (hg19) VCF-style: chr11-95564298-A-G.
Other names: c.1354A>G, p.Asn452Asp (NM_001243776.2); c.1303A>G, p.Asn435Asp (NM_001243777.2); c.1300A>G, p.Asn434Asp (NM_001363604.2); short protein forms N452D, N461D, N434D, N435D.
Identifiers: ClinVar variation 4001025 (VCV004001025.1).